The following is an entry in ClinVar:

NM_001042492.3(NF1):c.2113del (p.Val705fs)

Gene: NF1 (neurofibromin 1; plus strand). Cytogenetic location: 17q11.2.
Variant type: Deletion.
Coding change: c.2113del on transcript NM_001042492.3 (MANE Select); coding-DNA position 2113, one base deleted (G; older notation c.2113delG).
Protein change: p.Val705fs; shifts the reading frame from valine 705.
Molecular consequence: frameshift variant.
Genome position (GRCh38, 1-based): chr17:31,226,546, G deleted; the last of 2 consecutive G bases (chr17:31,226,545-31,226,546); deleting either gives the same sequence. VCF-style (leftmost placement, unchanged base first): chr17-31226544-TG-T. GRCh37 (hg19) VCF-style: chr17-29553562-TG-T.
Other names: c.2113del, p.Val705fs (NM_000267.4); short protein forms V705fs.
Identifiers: ClinVar variation 4730999 (VCV004730999.1).
Genomic context (GRCh38, chr17:31,226,544, plus strand): 5'-AGACCAAACTAGAAGTGGCCCTGTACATGTTTCTGTGGAACCCTGACACTGAAGCTGTTC[TG>T]GTTGCCATGTCCTGTTTCCGCCACCTCTGTGAGGAAGCAGATATCCGGTGTGGGGTGGAT-3'

ClinVar aggregate classification (germline): Pathogenic (1 of 4 stars; one submission).

Conditions:
Neurofibromatosis, type 1 (NF1). Also called: VON RECKLINGHAUSEN DISEASE; Peripheral type neurofibromatosis; NEUROFIBROMATOSIS, TYPE I, SOMATIC; Neurofibromatosis, type I. Identifiers: Orphanet 636, MedGen C0027831, MONDO:0018975, OMIM 162200. Disease mechanism: loss of function.

Submission:

Labcorp Genetics (formerly Invitae), Labcorp
Classification: Pathogenic for Neurofibromatosis, type 1. Last evaluated: 2025-11-20. Review status: criteria provided, single submitter. Criteria: Invitae Variant Classification Sherloc (09022015). Collection method: clinical testing. Allele origin: germline.
Comment: This sequence change creates a premature translational stop signal (p.Val705Leufs*43) in the NF1 gene. It is expected to result in an absent or disrupted protein product. Loss-of-function variants in NF1 are known to be pathogenic (PMID: 10712197, 23913538). This variant is not present in population databases (gnomAD no frequency). This variant has not been reported in the literature in individuals affected with NF1-related conditions. For these reasons, this variant has been classified as Pathogenic.

Literature cited by the submitters: PubMed 10712197; PubMed 23913538.